The following is an entry in ClinVar:

ClinVar aggregate classification (germline): Uncertain significance (1 of 4 stars; one submission).

Submission:

Athena Diagnostics
Classification: Uncertain significance. Last evaluated: 2024-05-10. Review status: criteria provided, single submitter. Criteria: Athena Diagnostics Criteria. Collection method: clinical testing. Allele origin: unknown.
Comment: Available data are insufficient to determine the clinical significance of the variant at this time. This variant has not been reported in large, multi-ethnic general populations. Polyphen and MutationTaster predict this amino acid change may be benign.

NM_001378452.1(ITPR1):c.8211G>T (p.Gln2737His)

Gene: ITPR1 (inositol 1,4,5-trisphosphate receptor type 1; plus strand). Cytogenetic location: 3p26.1.
Variant type: single nucleotide variant.
Coding change: c.8211G>T on transcript NM_001378452.1 (MANE Select); coding-DNA position 8211, G replaced by T.
Protein change: p.Gln2737His; replaces glutamine 2737 with histidine.
Molecular consequence: missense variant.
Genome position (GRCh38, 1-based): chr3:4,846,159, G>T. VCF-style: chr3-4846159-G-T. GRCh37 (hg19) VCF-style: chr3-4887843-G-T.
Other names: c.8067G>T, p.Gln2689His (NM_001099952.4); c.8166G>T, p.Gln2722His (NM_001168272.2); c.8022G>T, p.Gln2674His (NM_002222.7); short protein forms Q2674H, Q2722H, Q2689H, Q2737H.
Identifiers: ClinVar variation 3571694 (VCV003571694.1).
Genomic context (GRCh38, chr3:4,846,159, plus strand): 5'-AAGTATCTGGGTCTAATGATGAAACTTTTTAACTTTCCAGATGACAGAACAAAGGAAGCA[G>T]AAACAAAGAATTGGTCTTCTAGGACATCCTCCTCACATGAATGTCAACCCACAACAACCA-3'
Protein context (NP_001365381.1, residues 2727-2747): LKDQMTEQRK[Gln2737His]KQRIGLLGHP